The following is an entry in ClinVar:

ClinVar aggregate classification (germline): Conflicting classifications of pathogenicity. Review status: criteria provided, conflicting classifications (1 of 4 stars). 6 submissions from 6 submitters: Uncertain significance (5); Likely benign (1). Last evaluated 2026-08-14.

Conditions:
TTN-related disorder. Also called: TTN-related condition; TTN-related disease; TTN-related disorders.
Dilated cardiomyopathy 1G (CMD1G). Identifiers: Orphanet 154, MedGen C1858763, MONDO:0011400, OMIM 604145.
Autosomal recessive limb-girdle muscular dystrophy type 2J (LGMDR10). Also called: Limb-girdle muscular dystrophy, type 2J; MUSCULAR DYSTROPHY, LIMB-GIRDLE, AUTOSOMAL RECESSIVE 10. Identifiers: Orphanet 140922, MedGen C1837342, MONDO:0012127, OMIM 608807.
Primary dilated cardiomyopathy (DCM). Also called: Dilated Cardiomyopathy. Identifiers: Orphanet 217604, MedGen C0007193, MeSH D002311, MONDO:0005021, HP:0001644. Inheritance: Various modes of inheritance.

Allele frequency attached by ClinVar (database versions not stated): gnomAD 0.00011; 1000 Genomes Project 30x 0.00016; ESP Exome Variant Server 0.00017; 1000 Genomes Project 0.00020; gnomAD exomes 0.00001 and 0.00003; ExAC 0.00005; TOPMed 0.00009.
gnomAD v4.1: 30 of 1,528,218 alleles (0.002%); highest among the groups gnomAD compares: African/African-American, 0.03%; no homozygotes.

Submissions (6):

PreventionGenetics, part of Exact Sciences
Classification: Uncertain significance for TTN-related condition. Last evaluated: 2026-08-14. Review status: criteria provided, single submitter. Criteria: ACMG Guidelines, 2015. Collection method: clinical testing. Allele origin: germline.
Comment: The TTN c.53590A>G variant is predicted to result in the amino acid substitution p.Thr17864Ala. To our knowledge, this variant has not been reported in the literature. This variant is reported in 0.043% of alleles in individuals of African descent in gnomAD. At this time, the clinical significance of this variant is uncertain due to the absence of conclusive functional and genetic evidence.

Women's Health and Genetics/Laboratory Corporation of America, LabCorp
Classification: Uncertain significance. Last evaluated: 2024-07-15. Review status: criteria provided, single submitter. Criteria: LabCorp Variant Classification Summary - May 2015. Collection method: clinical testing. Allele origin: germline.
Comment: Variant summary: TTN c.45886A>G (p.Thr15296Ala) results in a non-conservative amino acid change located in the A-band region of the encoded protein sequence. Three of five in-silico tools predict a benign effect of the variant on protein function. The variant allele was found at a frequency of 3.5e-05 in 202674 control chromosomes. The available data on variant occurrences in the general population are insufficient to allow any conclusion about variant significance. To our knowledge, no occurrence of c.45886A>G in individuals affected with TTN-related conditions and no experimental evidence demonstrating its impact on protein function have been reported. ClinVar contains an entry for this variant (Variation ID: 195716). Based on the evidence outlined above, the variant was classified as uncertain significance.

Revvity Omics, Revvity
Classification: Uncertain significance. Last evaluated: 2023-05-29. Review status: criteria provided, single submitter. Criteria: ACMG Guidelines, 2015. Collection method: clinical testing. Allele origin: germline.

Center for Advanced Laboratory Medicine, UC San Diego Health, University of California San Diego
Classification: Likely benign for Dilated cardiomyopathy. Last evaluated: 2019-05-08. Review status: criteria provided, single submitter. Criteria: ACMG Guidelines, 2015. Collection method: clinical testing. Allele origin: germline. Affected: yes. Observed: 2 variant alleles.

Labcorp Genetics (formerly Invitae), Labcorp
Classification: Uncertain significance for Dilated cardiomyopathy 1G; Autosomal recessive limb-girdle muscular dystrophy type 2J. Last evaluated: 2017-05-09. Review status: criteria provided, single submitter. Criteria: Invitae Variant Classification Sherloc (09022015). Collection method: clinical testing. Allele origin: germline.

Eurofins Ntd Llc (ga)
Classification: Uncertain significance. Last evaluated: 2015-08-18. Review status: criteria provided, single submitter. Criteria: EGL Classification Definitions 2015. Collection method: clinical testing. Allele origin: germline. Observed: 1 variant allele, 1 heterozygote.

NM_001267550.2(TTN):c.53590A>G (p.Thr17864Ala)

Genes: TTN (titin; minus strand), TTN-AS1 (TTN antisense RNA 1; plus strand). Cytogenetic location: 2q31.2.
Variant type: single nucleotide variant.
Coding change: c.53590A>G on transcript NM_001267550.2 (MANE Select); coding-DNA position 53590, A replaced by G.
Protein change: p.Thr17864Ala; replaces threonine 17864 with alanine.
Molecular consequence: missense variant.
Genome position (GRCh38, 1-based): chr2:178,605,705, T>C on the plus strand (A>G on the coding strand, the complement: TTN is on the minus strand). VCF-style: chr2-178605705-T-C. GRCh37 (hg19) VCF-style: chr2-179470432-T-C.
Other names: c.48667A>G, p.Thr16223Ala (NM_001256850.1); c.26395A>G, p.Thr8799Ala (NM_003319.4); c.45886A>G, p.Thr15296Ala (NM_133378.4); c.26770A>G, p.Thr8924Ala (NM_133432.3); c.26971A>G, p.Thr8991Ala (NM_133437.4); short protein forms T17864A, T15296A, T16223A, T8924A, T8799A, T8991A.
Identifiers: ClinVar variation 195716 (VCV000195716.13), dbSNP rs375309278, ClinGen allele CA242268.
Genomic context (GRCh38, chr2:178,605,705, plus strand): 5'-TCCAGTCAAGTGTGATAGTGGACTTTGTCCTTTCAGTGTATGTGAGCCTCTCTGGAGATG[T>C]TGGAGGACCTTTAGCCAGAGGCAAGTGAAAATGATTAGCATGAGATAAATATTCATGTAA-3'
Protein context (NP_001254479.2, residues 17854-17874): ILAVDPLGPP[Thr17864Ala]SPERLTYTER